The following is an entry in ClinVar:

NM_000283.3(PDE6B):c.*764G>A

Gene: PDE6B (phosphodiesterase 6B; plus strand). Cytogenetic location: 4p16.3.
Variant type: single nucleotide variant.
Coding change: c.*764G>A on transcript NM_000283.3; 764 bases downstream of the stop codon, G replaced by A.
Genome position (GRCh38, 1-based): chr4:670,871, G>A. VCF-style: chr4-670871-G-A. GRCh37 (hg19) VCF-style: chr4-664660-G-A.
Identifiers: ClinVar variation 349416 (VCV000349416.7), dbSNP rs575639886, ClinGen allele CA10621527.

ClinVar aggregate classification (germline): Conflicting classifications of pathogenicity. Review status: criteria provided, conflicting classifications (1 of 4 stars). 2 submissions from 1 submitter: Uncertain significance (1); Benign (1). Last evaluated 2018-01-13.

Conditions:
Congenital stationary night blindness autosomal dominant 2. Also called: NIGHT BLINDNESS, CONGENITAL STATIONARY, RAMBUSCH TYPE. Identifiers: Orphanet 215, MedGen C1876182, MONDO:0008099, OMIM 163500.
Retinitis pigmentosa (RP). Identifiers: Orphanet 791, MedGen C0035334, MeSH D012174, MONDO:0019200, OMIM 268000. Inheritance: Autosomal dominant, autosomal recessive and X linked inheritance.

Allele frequency attached by ClinVar (database versions not stated): 1000 Genomes Project 30x 0.00047; gnomAD 0.00006; 1000 Genomes Project 0.00040; TOPMed 0.00020.

Submissions (2):

Illumina Laboratory Services, Illumina
Classification: Uncertain significance for Retinitis pigmentosa. Last evaluated: 2018-01-13. Review status: criteria provided, single submitter. Criteria: ICSL Variant Classification Criteria 13 December 2019. Collection method: clinical testing. Allele origin: germline.

Illumina Laboratory Services, Illumina
Classification: Benign for Congenital stationary night blindness autosomal dominant 2. Last evaluated: 2018-01-13. Review status: criteria provided, single submitter. Criteria: ICSL Variant Classification Criteria 13 December 2019. Collection method: clinical testing. Allele origin: germline.
Comment: This variant was observed in the ICSL laboratory as part of a predisposition screen in an ostensibly healthy population. It had not been previously curated by ICSL or reported in the Human Gene Mutation Database (HGMD: prior to June 1st, 2018), and was therefore a candidate for classification through an automated scoring system. Utilizing variant allele frequency, disease prevalence and penetrance estimates, and inheritance mode, an automated score was calculated to assess if this variant is too frequent to cause the disease. Based on the score and internal cut-off values, a variant classified as benign is not then subjected to further curation. The score for this variant resulted in a classification of benign for this disease.